The following is an entry in ClinVar:

ClinVar aggregate classification (germline): Uncertain significance. Review status: criteria provided, multiple submitters, no conflicts (2 of 4 stars). 2 submissions from 2 submitters: Uncertain significance (2). Last evaluated 2024-10-04.

Conditions:
FG syndrome (FGS). Identifiers: MedGen C0220769, MONDO:0002010.
Familial thoracic aortic aneurysm and aortic dissection (TAAD). Also called: Thoracic aortic aneurysms and dissections. Identifiers: Orphanet 91387, MedGen C4707243, MONDO:0019625.

Submissions (2):

Ambry Genetics
Classification: Uncertain significance for Familial thoracic aortic aneurysm and aortic dissection. Last evaluated: 2024-10-04. Review status: criteria provided, single submitter. Criteria: Ambry Variant Classification Scheme 2023. Collection method: clinical testing. Allele origin: germline.
Comment: The p.E1271D variant (also known as c.3813G>T), located in coding exon 27 of the MED12 gene, results from a G to T substitution at nucleotide position 3813. The glutamic acid at codon 1271 is replaced by aspartic acid, an amino acid with highly similar properties. This amino acid position is conserved. In addition, the in silico prediction for this alteration is inconclusive. Based on the available evidence, the clinical significance of this variant remains unclear.

Labcorp Genetics (formerly Invitae), Labcorp
Classification: Uncertain significance for FG syndrome. Last evaluated: 2023-04-16. Review status: criteria provided, single submitter. Criteria: Invitae Variant Classification Sherloc (09022015). Collection method: clinical testing. Allele origin: germline.
Comment: In summary, the available evidence is currently insufficient to determine the role of this variant in disease. Therefore, it has been classified as a Variant of Uncertain Significance. Advanced modeling of protein sequence and biophysical properties (such as structural, functional, and spatial information, amino acid conservation, physicochemical variation, residue mobility, and thermodynamic stability) has been performed at Invitae for this missense variant, however the output from this modeling did not meet the statistical confidence thresholds required to predict the impact of this variant on MED12 protein function. This variant has not been reported in the literature in individuals affected with MED12-related conditions. This variant is not present in population databases (gnomAD no frequency). This sequence change replaces glutamic acid, which is acidic and polar, with aspartic acid, which is acidic and polar, at codon 1271 of the MED12 protein (p.Glu1271Asp).

NM_005120.3(MED12):c.3813G>T (p.Glu1271Asp)

Gene: MED12 (mediator complex subunit 12; plus strand). Cytogenetic location: Xq13.1.
Variant type: single nucleotide variant.
Coding change: c.3813G>T on transcript NM_005120.3 (MANE Select); coding-DNA position 3813, G replaced by T.
Protein change: p.Glu1271Asp; replaces glutamic acid 1271 with aspartic acid.
Molecular consequence: missense variant.
Genome position (GRCh38, 1-based): chrX:71,129,801, G>T. VCF-style: chrX-71129801-G-T. GRCh37 (hg19) VCF-style: chrX-70349651-G-T.
Other names: c.3813G>T (NM_005120.2); short protein forms E1271D.
Identifiers: ClinVar variation 2801978 (VCV002801978.4), dbSNP rs2519693986, ClinGen allele CA413522596.